The following is an entry in ClinVar:

NM_014141.6(CNTNAP2):c.3600G>A (p.Ser1200=)

Gene: CNTNAP2 (contactin associated protein 2; plus strand). Cytogenetic location: 7q36.1.
Variant type: single nucleotide variant.
Coding change: c.3600G>A on transcript NM_014141.6 (MANE Select); coding-DNA position 3600, G replaced by A.
Protein change: p.Ser1200=; no amino-acid change (serine 1200 retained).
Molecular consequence: synonymous variant.
Genome position (GRCh38, 1-based): chr7:148,383,773, G>A. VCF-style: chr7-148383773-G-A. GRCh37 (hg19) VCF-style: chr7-148080865-G-A.
Other names: p.S1200S:TCG>TCA.
Identifiers: ClinVar variation 136829 (VCV000136829.25), dbSNP rs117876038, ClinGen allele CA290189.
Genomic context (GRCh38, chr7:148,383,773, plus strand): 5'-CAGAGTCCAGTTCAACCAGATCGCCCCTCTCAAGGCCGCCTTGAGGCAGACAAACGCCTC[G>A]GCTCACGTCCACATCCAGGGCGAGCTGGTGGAGTCCAACTGCGGGGCCTCGCCGCTGACC-3'
Protein context (NP_054860.1, residues 1190-1210): LKAALRQTNA[Ser1200=]AHVHIQGELV

ClinVar aggregate classification (germline): Conflicting classifications of pathogenicity. Review status: criteria provided, conflicting classifications (1 of 4 stars). 6 submissions from 6 submitters: Uncertain significance (3); Benign (1); Likely benign (2). Last evaluated 2026-01-06.

Conditions:
Cortical dysplasia-focal epilepsy syndrome (PTHSL1). Also called: Pitt-Hopkins-like syndrome 1. Identifiers: Orphanet 163681, Orphanet 221150, MedGen C2750246, MONDO:0012400, OMIM 610042.

Allele frequency attached by ClinVar (database versions not stated): ExAC 0.00012; gnomAD 0.00016 and 0.00017; gnomAD exomes 0.00017 and 0.00030; TOPMed 0.00020; ESP Exome Variant Server 0.00031; 1000 Genomes Project 0.00040; 1000 Genomes Project 30x 0.00047.
gnomAD v4.1: 449 of 1,614,168 alleles (0.028%); highest among the groups gnomAD compares: East Asian, 0.21%; no homozygotes.

Submissions (6):

Labcorp Genetics (formerly Invitae), Labcorp
Classification: Likely benign for Cortical dysplasia-focal epilepsy syndrome. Last evaluated: 2026-01-06. Review status: criteria provided, single submitter. Criteria: Invitae Variant Classification Sherloc (09022015). Collection method: clinical testing. Allele origin: germline.

Blueprint Genetics
Classification: Likely benign. Last evaluated: 2024-07-08. Review status: criteria provided, single submitter. Criteria: ACMG Guidelines, 2015. Collection method: clinical testing. Allele origin: germline.

Illumina Laboratory Services, Illumina
Classification: Uncertain significance for Cortical dysplasia-focal epilepsy syndrome. Last evaluated: 2018-01-12. Review status: criteria provided, single submitter. Criteria: ICSL Variant Classification Criteria 13 December 2019. Collection method: clinical testing. Allele origin: germline.

Eurofins Ntd Llc (ga)
Classification: Uncertain significance. Last evaluated: 2016-07-05. Review status: criteria provided, single submitter. Criteria: EGL Classification Definitions 2015. Collection method: clinical testing. Allele origin: germline. Observed: 1 variant allele, 1 heterozygote.

Genetic Services Laboratory, University of Chicago
Classification: Uncertain significance. Last evaluated: 2015-06-11. Review status: criteria provided, single submitter. Criteria: ACMG Guidelines, 2015. Collection method: clinical testing. Allele origin: germline.

GeneDx
Classification: Benign. Last evaluated: 2014-04-15. Review status: criteria provided, single submitter. Criteria: GeneDx Variant Classification (06012015). Collection method: clinical testing. Allele origin: germline. Affected: yes.
Comment: This variant is considered likely benign or benign based on one or more of the following criteria: it is a conservative change, it occurs at a poorly conserved position in the protein, it is predicted to be benign by multiple in silico algorithms, and/or has population frequency not consistent with disease.